The following is an entry in ClinVar:

Conditions:
Long QT syndrome 5 (LQT5). Identifiers: Orphanet 101016, Orphanet 768, MedGen C1867904, MONDO:0013372, OMIM 613695.

Submission:

Roden Lab, Vanderbilt University Medical Center
No classification provided (evidence only). Condition: Long QT syndrome 5. Review status: no classification provided. Collection method: in vitro. Allele origin: not applicable. Functional consequence: Effect on ion channel function.
ClinVar note: "not provided" was previously submitted as the classification for the variant. However, the classification appeared to be based only on an observation of functional data so it was converted to no classification on 2025-07-30.

NM_000219.6(KCNE1):c.212T>G (p.Leu71Arg)

Gene: KCNE1 (potassium voltage-gated channel subfamily E regulatory subunit 1; minus strand). Cytogenetic location: 21q22.12.
Variant type: single nucleotide variant.
Coding change: c.212T>G on transcript NM_000219.6 (MANE Select); coding-DNA position 212, T replaced by G.
Protein change: p.Leu71Arg; replaces leucine 71 with arginine.
Molecular consequence: missense variant.
Genome position (GRCh38, 1-based): chr21:34,449,423, A>C on the plus strand (T>G on the coding strand, the complement: KCNE1 is on the minus strand). VCF-style: chr21-34449423-A-C. GRCh37 (hg19) VCF-style: chr21-35821721-A-C.
Other names: c.212T>G, p.Leu71Arg (NM_001127668.4, NM_001127669.4, NM_001127670.4 and 4 more transcripts); short protein forms L71R.
Identifiers: ClinVar variation 3374342 (VCV003374342.2).